The following is an entry in ClinVar:

ClinVar aggregate classification (germline): Uncertain significance (1 of 4 stars; one submission).

Conditions:
Fanconi anemia (FA). Also called: Fanconi's anemia. Identifiers: Orphanet 84, MedGen C0015625, MeSH D005199, MONDO:0019391.

Submission:

Labcorp Genetics (formerly Invitae), Labcorp
Classification: Uncertain significance for Fanconi anemia. Last evaluated: 2021-06-25. Review status: criteria provided, single submitter. Criteria: Invitae Variant Classification Sherloc (09022015). Collection method: clinical testing. Allele origin: germline.
Comment: This sequence change replaces serine with threonine at codon 1105 of the SLX4 protein (p.Ser1105Thr). The serine residue is weakly conserved and there is a small physicochemical difference between serine and threonine. This variant is not present in population databases (ExAC no frequency). This variant has not been reported in the literature in individuals with SLX4-related conditions. Algorithms developed to predict the effect of missense changes on protein structure and function are either unavailable or do not agree on the potential impact of this missense change (SIFT: "Tolerated"; PolyPhen-2: "Possibly Damaging"; Align-GVGD: "Class C0"). In summary, the available evidence is currently insufficient to determine the role of this variant in disease. Therefore, it has been classified as a Variant of Uncertain Significance.

NM_032444.4(SLX4):c.3313T>A (p.Ser1105Thr)

Gene: SLX4 (SLX4 structure-specific endonuclease subunit; minus strand). Cytogenetic location: 16p13.3.
Variant type: single nucleotide variant.
Coding change: c.3313T>A on transcript NM_032444.4 (MANE Select); coding-DNA position 3313, T replaced by A.
Protein change: p.Ser1105Thr; replaces serine 1105 with threonine.
Molecular consequence: missense variant.
Genome position (GRCh38, 1-based): chr16:3,590,325, A>T on the plus strand (T>A on the coding strand, the complement: SLX4 is on the minus strand). VCF-style: chr16-3590325-A-T. GRCh37 (hg19) VCF-style: chr16-3640326-A-T.
Other names: short protein forms S1105T.
Identifiers: ClinVar variation 1473027 (VCV001473027.8), dbSNP rs2151123849, ClinGen allele CA394520401.